The following is an entry in ClinVar:

NM_004637.6(RAB7A):c.434G>A (p.Ser145Asn)

Gene: RAB7A (RAB7A, member RAS oncogene family; plus strand). Cytogenetic location: 3q21.3.
Variant type: single nucleotide variant.
Coding change: c.434G>A on transcript NM_004637.6 (MANE Select); coding-DNA position 434, G replaced by A.
Protein change: p.Ser145Asn; replaces serine 145 with asparagine.
Molecular consequence: missense variant.
Genome position (GRCh38, 1-based): chr3:128,807,577, G>A. VCF-style: chr3-128807577-G-A. GRCh37 (hg19) VCF-style: chr3-128526420-G-A.
Other names: short protein forms S145N.
Identifiers: ClinVar variation 1498322 (VCV001498322.8), dbSNP rs2107616079, ClinGen allele CA354709369.

ClinVar aggregate classification (germline): Uncertain significance (1 of 4 stars; one submission).

Conditions:
Charcot-Marie-Tooth disease type 2B (CMT2B). Also called: CHARCOT-MARIE-TOOTH DISEASE, AXONAL, TYPE 2B; CHARCOT-MARIE-TOOTH DISEASE, AUTOSOMAL DOMINANT, TYPE 2B; HEREDITARY MOTOR AND SENSORY NEUROPATHY IIB; Charcot-Marie-Tooth Neuropathy Type 2B. Identifiers: Orphanet 99936, MedGen C1833219, MONDO:0010949, OMIM 600882.

Submission:

Labcorp Genetics (formerly Invitae), Labcorp
Classification: Uncertain significance for Charcot-Marie-Tooth disease type 2B. Last evaluated: 2021-07-21. Review status: criteria provided, single submitter. Criteria: Invitae Variant Classification Sherloc (09022015). Collection method: clinical testing. Allele origin: germline.
Comment: This sequence change replaces serine with asparagine at codon 145 of the RAB7A protein (p.Ser145Asn). The serine residue is highly conserved and there is a small physicochemical difference between serine and asparagine. This variant is not present in population databases (ExAC no frequency). This variant has not been reported in the literature in individuals affected with RAB7A-related conditions. Algorithms developed to predict the effect of missense changes on protein structure and function are either unavailable or do not agree on the potential impact of this missense change (SIFT: "Deleterious"; PolyPhen-2: "Benign"; Align-GVGD: "Class C0"). In summary, the available evidence is currently insufficient to determine the role of this variant in disease. Therefore, it has been classified as a Variant of Uncertain Significance.